The following is an entry in ClinVar:

NM_006118.4(HAX1):c.685G>C (p.Val229Leu)

Gene: HAX1 (HCLS1 associated protein X-1; plus strand). Cytogenetic location: 1q21.3.
Variant type: single nucleotide variant.
Coding change: c.685G>C on transcript NM_006118.4 (MANE Select); coding-DNA position 685, G replaced by C.
Protein change: p.Val229Leu; replaces valine 229 with leucine.
Molecular consequence: missense variant.
Genome position (GRCh38, 1-based): chr1:154,275,414, G>C. VCF-style: chr1-154275414-G-C. GRCh37 (hg19) VCF-style: chr1-154247890-G-C.
Other names: c.541G>C, p.Val181Leu (NM_001018837.2); short protein forms V181L, V229L.
Identifiers: ClinVar variation 971941 (VCV000971941.9), dbSNP rs1465330876, ClinGen allele CA342593873.

ClinVar aggregate classification (germline): Uncertain significance. Review status: criteria provided, multiple submitters, no conflicts (2 of 4 stars). 3 submissions from 3 submitters: Uncertain significance (2). 1 of the submissions does not count toward it. Last evaluated 2025-02-23.

Conditions:
Inborn genetic diseases. Identifiers: MedGen C0950123, MeSH D030342.
Kostmann syndrome (SCN3). Also called: KOSTMANN DISEASE; Autosomal recessive severe congenital neutropenia type 3. Identifiers: Orphanet 99749, MedGen C5235141, MONDO:0012548, OMIM 610738.

Allele frequency attached by ClinVar (database versions not stated): gnomAD exomes below 0.00001 and 0.00001; TOPMed 0.00001.

Submissions (3):

Ambry Genetics
Classification: Uncertain significance for Inborn genetic diseases. Last evaluated: 2025-02-23. Review status: criteria provided, single submitter. Criteria: Ambry Variant Classification Scheme 2023. Collection method: clinical testing. Allele origin: germline.
Comment: The p.V229L variant (also known as c.685G>C), located in coding exon 6 of the HAX1 gene, results from a G to C substitution at nucleotide position 685. The valine at codon 229 is replaced by leucine, an amino acid with highly similar properties. This amino acid position is conserved. In addition, the in silico prediction for this alteration is inconclusive. Based on the available evidence, the clinical significance of this variant remains unclear.

Labcorp Genetics (formerly Invitae), Labcorp
Classification: Uncertain significance for Kostmann syndrome. Last evaluated: 2025-01-13. Review status: criteria provided, single submitter. Criteria: Invitae Variant Classification Sherloc (09022015). Collection method: clinical testing. Allele origin: germline.
Comment: This sequence change replaces valine, which is neutral and non-polar, with leucine, which is neutral and non-polar, at codon 229 of the HAX1 protein (p.Val229Leu). This variant is present in population databases (no rsID available, gnomAD 0.003%). This variant has not been reported in the literature in individuals affected with HAX1-related conditions. ClinVar contains an entry for this variant (Variation ID: 971941). Invitae Evidence Modeling of protein sequence and biophysical properties (such as structural, functional, and spatial information, amino acid conservation, physicochemical variation, residue mobility, and thermodynamic stability) indicates that this missense variant is not expected to disrupt HAX1 protein function with a negative predictive value of 80%. In summary, the available evidence is currently insufficient to determine the role of this variant in disease. Therefore, it has been classified as a Variant of Uncertain Significance.

Natera, Inc.
Classification: Uncertain significance for Autosomal recessive severe congenital neutropenia type 3. Last evaluated: 2020-02-26. Review status: no assertion criteria provided. Collection method: clinical testing. Allele origin: germline. Not counted in ClinVar's aggregate classification.